The following is an entry in ClinVar:

ClinVar aggregate classification (germline): Likely benign. Review status: criteria provided, multiple submitters, no conflicts (2 of 4 stars). 2 submissions from 2 submitters: Likely benign (2). Last evaluated 2026-08-27.

Conditions:
PKD1-related disorder. Also called: PKD1-related condition.

gnomAD v4.1: 30 of 1,610,324 alleles (0.0019%); highest among the groups gnomAD compares: Middle Eastern, 0.022%; no homozygotes.

Submissions (2):

PreventionGenetics, part of Exact Sciences
Classification: Likely benign for PKD1-related condition. Last evaluated: 2026-08-27. Review status: criteria provided, single submitter. Criteria: ACMG Guidelines, 2015. Collection method: clinical testing. Allele origin: germline.
Comment: This variant is classified as likely benign based on ACMG/AMP sequence variant interpretation guidelines (Richards et al. 2015 PMID: 25741868, with internal and published modifications).

Blueprint Genetics
Classification: Likely benign. Last evaluated: 2024-06-17. Review status: criteria provided, single submitter. Criteria: ACMG Guidelines, 2015. Collection method: clinical testing. Allele origin: germline.

NM_001009944.3(PKD1):c.6717G>A (p.Thr2239=)

Gene: PKD1 (polycystin 1, transient receptor potential channel interacting; minus strand). Cytogenetic location: 16p13.3.
Variant type: single nucleotide variant.
Coding change: c.6717G>A on transcript NM_001009944.3 (MANE Select); coding-DNA position 6717, G replaced by A.
Protein change: p.Thr2239=; no amino-acid change (threonine 2239 retained).
Molecular consequence: synonymous variant.
Genome position (GRCh38, 1-based): chr16:2,108,450, C>T on the plus strand (G>A on the coding strand, the complement: PKD1 is on the minus strand). VCF-style: chr16-2108450-C-T. GRCh37 (hg19) VCF-style: chr16-2158451-C-T.
Other names: c.6717G>A, p.Thr2239= (NM_000296.4).
Identifiers: ClinVar variation 4927785 (VCV004927785.2).